The following is an entry in ClinVar:

NM_006269.2(RP1):c.2358C>G (p.Ser786Arg)

Gene: RP1 (RP1 axonemal microtubule associated; plus strand). Cytogenetic location: 8q12.1.
Variant type: single nucleotide variant.
Coding change: c.2358C>G on transcript NM_006269.2 (MANE Select); coding-DNA position 2358, C replaced by G.
Protein change: p.Ser786Arg; replaces serine 786 with arginine.
Molecular consequence: missense variant. On other transcripts: intron variant (1).
Genome position (GRCh38, 1-based): chr8:54,626,240, C>G. VCF-style: chr8-54626240-C-G. GRCh37 (hg19) VCF-style: chr8-55538800-C-G.
Other names: c.787+3952C>G (NM_001375654.1); short protein forms S786R.
Identifiers: ClinVar variation 942368 (VCV000942368.9), dbSNP rs1806043079, ClinGen allele CA370993546.

ClinVar aggregate classification (germline): Uncertain significance (1 of 4 stars; one submission).

Allele frequency attached by ClinVar (database versions not stated): gnomAD 0.00001; gnomAD exomes 0.00001; TOPMed 0.00001.
gnomAD v4.1: 8 of 1,612,990 alleles (0.0005%); highest among the groups gnomAD compares: Non-Finnish European, 0.00068%; no homozygotes.

Submission:

Labcorp Genetics (formerly Invitae), Labcorp
Classification: Uncertain significance. Last evaluated: 2025-05-05. Review status: criteria provided, single submitter. Criteria: Invitae Variant Classification Sherloc (09022015). Collection method: clinical testing. Allele origin: germline.
Comment: This sequence change replaces serine, which is neutral and polar, with arginine, which is basic and polar, at codon 786 of the RP1 protein (p.Ser786Arg). This variant is not present in population databases (gnomAD no frequency). This variant has not been reported in the literature in individuals affected with RP1-related conditions. ClinVar contains an entry for this variant (Variation ID: 942368). An algorithm developed to predict the effect of missense changes on protein structure and function (PolyPhen-2) suggests that this variant is likely to be disruptive. In summary, the available evidence is currently insufficient to determine the role of this variant in disease. Therefore, it has been classified as a Variant of Uncertain Significance.